The following is an entry in ClinVar:

ClinVar aggregate classification (germline): Benign/Likely benign. Review status: criteria provided, multiple submitters, no conflicts (2 of 4 stars). 3 submissions from 3 submitters: Benign (1); Likely benign (2). Last evaluated 2026-06-01.

Allele frequency attached by ClinVar (database versions not stated): ESP Exome Variant Server 0.00039; 1000 Genomes Project 0.00180.
gnomAD v4.1: 516 of 1,580,526 alleles (0.033%); highest among the groups gnomAD compares: East Asian, 0.39%; 4 homozygotes.

Submissions (3):

CeGaT Center for Human Genetics Tuebingen
Classification: Likely benign. Last evaluated: 2026-06-01. Review status: criteria provided, single submitter. Criteria: CeGaT Center For Human Genetics Tuebingen Variant Classification Criteria Version 2. Collection method: clinical testing. Allele origin: germline. Affected: yes. Observed: 1 variant allele.
Comment: CACNA1B: BP4

Labcorp Genetics (formerly Invitae), Labcorp
Classification: Benign. Last evaluated: 2026-01-19. Review status: criteria provided, single submitter. Criteria: Invitae Variant Classification Sherloc (09022015). Collection method: clinical testing. Allele origin: germline.

Blueprint Genetics
Classification: Likely benign. Last evaluated: 2024-11-26. Review status: criteria provided, single submitter. Criteria: ACMG Guidelines, 2015. Collection method: clinical testing. Allele origin: germline.

NM_000718.4(CACNA1B):c.6147G>A (p.Ser2049=)

Gene: CACNA1B (calcium voltage-gated channel subunit alpha1 B; plus strand). Cytogenetic location: 9q34.3.
Variant type: single nucleotide variant.
Coding change: c.6147G>A on transcript NM_000718.4 (MANE Select); coding-DNA position 6147, G replaced by A.
Protein change: p.Ser2049=; no amino-acid change (serine 2049 retained).
Molecular consequence: synonymous variant.
Genome position (GRCh38, 1-based): chr9:138,120,281, G>A. VCF-style: chr9-138120281-G-A. GRCh37 (hg19) VCF-style: chr9-141014733-G-A.
Other names: c.6147G>A, p.Ser2049= (NM_001243812.2).
Identifiers: ClinVar variation 1601192 (VCV001601192.11), dbSNP rs201941882, ClinGen allele CA5377625.
Genomic context (GRCh38, chr9:138,120,281, plus strand): 5'-CCGTGGGACTCATCTTTGCAGCACCACCCCGGACCGCCCACCCCCTAGCCAGGCGTCGTC[G>A]CACCACCACCACCACCGCTGCCACCGCCGCAGGGACAGGAAGCAGAGGTCCCTGGAGAAG-3'
Protein context (NP_000709.1, residues 2039-2059): PDRPPPSQAS[Ser2049=]HHHHHRCHRR